The following is an entry in ClinVar:

NM_000238.4(KCNH2):c.2454G>A (p.Ser818=)

Gene: KCNH2 (potassium voltage-gated channel subfamily H member 2; minus strand). Cytogenetic location: 7q36.1.
Variant type: single nucleotide variant.
Coding change: c.2454G>A on transcript NM_000238.4 (MANE Select); coding-DNA position 2454, G replaced by A.
Protein change: p.Ser818=; no amino-acid change (serine 818 retained).
Molecular consequence: synonymous variant. On other transcripts: non-coding transcript variant (2).
Genome position (GRCh38, 1-based): chr7:150,948,994, C>T on the plus strand (G>A on the coding strand, the complement: KCNH2 is on the minus strand). VCF-style: chr7-150948994-C-T. GRCh37 (hg19) VCF-style: chr7-150646082-C-T.
Other names: p.S818S:TCG>TCA; c.2166G>A, p.Ser722= (NM_001406753.1); c.1434G>A, p.Ser478= (NM_172057.3).
Identifiers: ClinVar variation 200245 (VCV000200245.63), dbSNP rs72549418, ClinGen allele CA006771.
Genomic context (GRCh38, chr7:150,948,994, plus strand): 5'-CAGGTCGTCCCGATGGATCTTGTGTAGGTCACAGTAGGTGAGGGCCCGCACATCCCCGTT[C>T]GACTTGCCAGGCCTTGCATACAGGTTCAGAGGCTCCCCAAAGATGTCATTCTTCCCTGGA-3'
Protein context (NP_000229.1, residues 808-828): PLNLYARPGK[Ser818=]NGDVRALTYC

ClinVar aggregate classification (germline): Conflicting classifications of pathogenicity. Review status: criteria provided, conflicting classifications (1 of 4 stars). 11 submissions from 11 submitters: Uncertain significance (1); Benign (4); Likely benign (6). Last evaluated 2026-09-01.

Conditions:
KCNH2-related disorder. Also called: KCNH2-related condition; KCNH2-related disorders.
Cardiac arrhythmia. Also called: Arrhythmia; Cardiac rhythm disease. Identifiers: MedGen C0003811, MONDO:0007263, HP:0011675.
Cardiovascular phenotype. Identifiers: MedGen CN230736.
Long QT syndrome (LQTS). Identifiers: MedGen C0023976, MeSH D008133, MONDO:0002442. Disease mechanism: loss of function. Inheritance: Various modes of inheritance.
Long QT syndrome 2 (LQT2). Identifiers: Orphanet 101016, Orphanet 768, MedGen C3150943, MONDO:0013367, OMIM 613688.

Allele frequency attached by ClinVar (database versions not stated): ESP Exome Variant Server 0.00008; 1000 Genomes Project 30x 0.00016; 1000 Genomes Project 0.00020; TOPMed 0.00034; gnomAD 0.00029.
gnomAD v4.1: 482 of 1,614,176 alleles (0.03%); highest among the groups gnomAD compares: Middle Eastern, 0.082%; no homozygotes.

Submissions (11):

CeGaT Center for Human Genetics Tuebingen
Classification: Likely benign. Last evaluated: 2026-09-01. Review status: criteria provided, single submitter. Criteria: CeGaT Center For Human Genetics Tuebingen Variant Classification Criteria Version 2. Collection method: clinical testing. Allele origin: germline. Affected: yes. Observed: 16 variant alleles.
Comment: KCNH2: BP4, BP7

PreventionGenetics, part of Exact Sciences
Classification: Likely benign for KCNH2-related condition. Last evaluated: 2026-06-02. Review status: criteria provided, single submitter. Criteria: ACMG Guidelines, 2015. Collection method: clinical testing. Allele origin: germline.
Comment: This variant is classified as likely benign based on ACMG/AMP sequence variant interpretation guidelines (Richards et al. 2015 PMID: 25741868, with internal and published modifications).

Labcorp Genetics (formerly Invitae), Labcorp
Classification: Likely benign for Long QT syndrome. Last evaluated: 2026-01-20. Review status: criteria provided, single submitter. Criteria: Invitae Variant Classification Sherloc (09022015). Collection method: clinical testing. Allele origin: germline.

Molecular Diagnostic Laboratory for Inherited Cardiovascular Disease, Montreal Heart Institute
Classification: Benign. Last evaluated: 2025-04-09. Review status: criteria provided, single submitter. Criteria: ACMG Guidelines, 2015. Collection method: clinical testing. Allele origin: germline. Affected: no.

Blueprint Genetics
Classification: Likely benign. Last evaluated: 2024-11-26. Review status: criteria provided, single submitter. Criteria: ACMG Guidelines, 2015. Collection method: clinical testing. Allele origin: germline.

All of Us Research Program, National Institutes of Health
Classification: Benign for Long QT syndrome. Last evaluated: 2024-02-05. Review status: criteria provided, single submitter. Criteria: ACMG Guidelines, 2015. Collection method: clinical testing. Allele origin: germline. Inheritance: Autosomal dominant inheritance. Observed: 95 variant alleles, 94 heterozygotes, 1 homozygote.
Comment: This study involves interpretation of variants in research participants for the purpose of population health screening. Participant phenotype was not available at the time of variant classification. Additional details can be found in publication PMID: 35346344, PMCID: PMC8962531

ARUP Laboratories, Molecular Genetics and Genomics, ARUP Laboratories
Classification: Likely benign. Last evaluated: 2022-05-06. Review status: criteria provided, single submitter. Criteria: ARUP Molecular Germline Variant Investigation Process 2021. Collection method: clinical testing. Allele origin: germline.

Color Diagnostics, LLC DBA Color Health
Classification: Benign for Arrhythmia. Last evaluated: 2018-04-13. Review status: criteria provided, single submitter. Criteria: ACMG Guidelines, 2015. Collection method: clinical testing. Allele origin: germline.

Illumina Laboratory Services, Illumina
Classification: Uncertain significance for Long QT syndrome 2. Last evaluated: 2018-01-13. Review status: criteria provided, single submitter. Criteria: ICSL Variant Classification Criteria 13 December 2019. Collection method: clinical testing. Allele origin: germline.

Ambry Genetics
Classification: Likely benign for Cardiovascular phenotype. Last evaluated: 2017-10-10. Review status: criteria provided, single submitter. Criteria: Ambry Variant Classification Scheme 2023. Collection method: clinical testing. Allele origin: germline.

GeneDx
Classification: Benign. Last evaluated: 2013-07-29. Review status: criteria provided, single submitter. Criteria: GeneDx Variant Classification (06012015). Collection method: clinical testing. Allele origin: germline. Affected: yes.
Comment: This variant is considered likely benign or benign based on one or more of the following criteria: it is a conservative change, it occurs at a poorly conserved position in the protein, it is predicted to be benign by multiple in silico algorithms, and/or has population frequency not consistent with disease.